The following is an entry in ClinVar:

NM_001370466.1(NOD2):c.2093C>G (p.Ala698Gly)

Gene: NOD2 (nucleotide binding oligomerization domain containing 2; plus strand). Cytogenetic location: 16q12.1.
Variant type: single nucleotide variant.
Coding change: c.2093C>G on transcript NM_001370466.1 (MANE Select); coding-DNA position 2093, C replaced by G.
Protein change: p.Ala698Gly; replaces alanine 698 with glycine.
Molecular consequence: missense variant. On other transcripts: non-coding transcript variant (1).
Genome position (GRCh38, 1-based): chr16:50,712,085, C>G. VCF-style: chr16-50712085-C-G. GRCh37 (hg19) VCF-style: chr16-50745996-C-G.
Other names: c.2174C>G (LRG_177t1); c.2093C>G, p.Ala698Gly (NM_001293557.2); c.2174C>G, p.Ala725Gly (NM_022162.3); short protein forms A725G, A698G.
Identifiers: ClinVar variation 319461 (VCV000319461.57), dbSNP rs5743278, ClinGen allele CA8051714.

ClinVar aggregate classification (germline): Benign/Likely benign. Review status: criteria provided, multiple submitters, no conflicts (2 of 4 stars). 10 submissions from 9 submitters: Benign (8); Likely benign (2). Last evaluated 2026-07-01.

Conditions:
Regional enteritis. Also called: Enteritis, Granulomatous. Identifiers: MedGen C0678202, MeSH D003424.
Blau syndrome (BLAUS). Also called: ARTHROCUTANEOUVEAL GRANULOMATOSIS; GRANULOMATOSIS, FAMILIAL JUVENILE SYSTEMIC; GRANULOMATOSIS, FAMILIAL, BLAU TYPE; GRANULOMATOUS INFLAMMATORY ARTHRITIS, DERMATITIS, AND UVEITIS, FAMILIAL; JABS SYNDROME. Identifiers: Orphanet 90340, MedGen C5201146, MONDO:0008523, OMIM 186580.
Inflammatory bowel disease 1 (IBD1). Also called: Inflammatory bowel disease 1, Crohn disease; INFLAMMATORY BOWEL DISEASE (CROHN DISEASE) 1. Identifiers: MedGen CN260071, MONDO:0009960, OMIM 266600.
Yao syndrome. Also called: Susceptibility to Yao syndrome. Identifiers: MedGen C4310620, MONDO:0015019, OMIM 617321.
Autoinflammatory syndrome. Identifiers: Orphanet 93665, MedGen C3890737, MONDO:0019751.

Allele frequency attached by ClinVar (database versions not stated): gnomAD exomes 0.00137 and 0.00325; ExAC 0.00407; gnomAD 0.01249 and 0.01319; ESP Exome Variant Server 0.01293; TOPMed 0.01376; 1000 Genomes Project 0.01837; 1000 Genomes Project 30x 0.01952.
gnomAD v4.1: 3,972 of 1,613,806 alleles (0.25%); highest among the groups gnomAD compares: African/African-American, 4.7%; 103 homozygotes.

Submissions (14):

CeGaT Center for Human Genetics Tuebingen
Classification: Benign. Last evaluated: 2026-07-01. Review status: criteria provided, single submitter. Criteria: CeGaT Center For Human Genetics Tuebingen Variant Classification Criteria Version 2. Collection method: clinical testing. Allele origin: germline. Affected: yes. Observed: 9 variant alleles.
Comment: NOD2: BP4, BS1, BS2

Labcorp Genetics (formerly Invitae), Labcorp
Classification: Benign for Regional enteritis; Blau syndrome. Last evaluated: 2026-02-01. Review status: criteria provided, single submitter. Criteria: Invitae Variant Classification Sherloc (09022015). Collection method: clinical testing. Allele origin: germline.

Women's Health and Genetics/Laboratory Corporation of America, LabCorp
Classification: Likely benign. Last evaluated: 2026-01-22. Review status: criteria provided, single submitter. Criteria: LabCorp Variant Classification Summary - May 2015. Collection method: clinical testing. Allele origin: germline.

ARUP Laboratories, Molecular Genetics and Genomics, ARUP Laboratories
Classification: Benign. Last evaluated: 2025-07-22. Review status: criteria provided, single submitter. Criteria: ARUP Molecular Germline Variant Investigation Process 2024. Collection method: clinical testing. Allele origin: germline.

Fulgent Genetics
Classification: Likely benign for Blau syndrome; Inflammatory bowel disease 1; Yao syndrome. Last evaluated: 2022-05-25. Review status: criteria provided, single submitter. Criteria: ACMG Guidelines, 2015. Collection method: clinical testing. Allele origin: unknown.

Genome Diagnostics Laboratory, The Hospital for Sick Children
Classification: Benign for Autoinflammatory syndrome. Last evaluated: 2021-03-29. Review status: criteria provided, single submitter. Criteria: ACMG Guidelines, 2015. Collection method: clinical testing. Allele origin: germline. Affected: yes.

Mayo Clinic Laboratories, Mayo Clinic
Classification: Benign. Last evaluated: 2021-01-27. Review status: criteria provided, single submitter. Criteria: ACMG Guidelines, 2015. Collection method: clinical testing. Allele origin: germline. Observed: 9 variant alleles.

Illumina Laboratory Services, Illumina
Classification: Benign for Inflammatory bowel disease 1. Last evaluated: 2017-04-27. Review status: criteria provided, single submitter. Criteria: ICSL Variant Classification Criteria 13 December 2019. Collection method: clinical testing. Allele origin: germline.
Comment: This variant was observed as part of a predisposition screen in an ostensibly healthy population. A literature search was performed for the gene, cDNA change, and amino acid change (where applicable). Publications were found based on this search. The evidence from the literature, in combination with allele frequency data from public databases where available, was sufficient to rule this variant out of causing disease. Therefore, this variant is classified as benign.

Illumina Laboratory Services, Illumina
Classification: Benign for Blau syndrome. Last evaluated: 2017-04-27. Review status: criteria provided, single submitter. Criteria: ICSL Variant Classification Criteria 13 December 2019. Collection method: clinical testing. Allele origin: germline.
Comment: This variant was observed as part of a predisposition screen in an ostensibly healthy population. A literature search was performed for the gene, cDNA change, and amino acid change (where applicable). No publications were found based on this search. Allele frequency data from public databases was too high to be consistent with this variant causing disease. Therefore, this variant is classified as benign.

Breakthrough Genomics
Classification: Benign. Review status: criteria provided, single submitter. Criteria: ACMG Guidelines, 2015. Collection method: not provided. Allele origin: germline. Inheritance: Multifactorial inheritance. Affected: yes.

Dr. Peter K. Rogan Lab, Western University
No classification provided (evidence only). Condition: Lung cancer. Review status: no classification provided. Collection method: in vitro. Allele origin: not applicable. Functional consequence: retained intron. Not counted in ClinVar's aggregate classification.

Dr. Peter K. Rogan Lab, Western University
No classification provided (evidence only). Condition: Cervical cancer. Review status: no classification provided. Collection method: in vitro. Allele origin: not applicable. Functional consequence: retained intron. Not counted in ClinVar's aggregate classification.

Dr. Peter K. Rogan Lab, Western University
No classification provided (evidence only). Condition: Hepatocellular carcinoma. Review status: no classification provided. Collection method: in vitro. Allele origin: not applicable. Functional consequence: retained intron. Not counted in ClinVar's aggregate classification.

Dr. Peter K. Rogan Lab, Western University
No classification provided (evidence only). Condition: Nonpapillary renal cell carcinoma. Review status: no classification provided. Collection method: in vitro. Allele origin: not applicable. Functional consequence: retained intron. Not counted in ClinVar's aggregate classification.

Literature cited by the submitters: PubMed 11875755 (cited by Illumina Laboratory Services, Illumina).